The following is an entry in ClinVar:

NM_001370466.1(NOD2):c.1215G>A (p.Ala405=)

Gene: NOD2 (nucleotide binding oligomerization domain containing 2; plus strand). Cytogenetic location: 16q12.1.
Variant type: single nucleotide variant.
Coding change: c.1215G>A on transcript NM_001370466.1 (MANE Select); coding-DNA position 1215, G replaced by A.
Protein change: p.Ala405=; no amino-acid change (alanine 405 retained).
Molecular consequence: synonymous variant. On other transcripts: non-coding transcript variant (1).
Genome position (GRCh38, 1-based): chr16:50,711,207, G>A. VCF-style: chr16-50711207-G-A. GRCh37 (hg19) VCF-style: chr16-50745118-G-A.
Other names: c.1215G>A, p.Ala405= (NM_001293557.2); c.1296G>A, p.Ala432= (NM_022162.3).
Identifiers: ClinVar variation 1115168 (VCV001115168.16), dbSNP rs779751017, ClinGen allele CA8051511.

ClinVar aggregate classification (germline): Likely benign. Review status: criteria provided, multiple submitters, no conflicts (2 of 4 stars). 2 submissions from 2 submitters: Likely benign (2). Last evaluated 2025-10-10.

Conditions:
Blau syndrome (BLAUS). Also called: ARTHROCUTANEOUVEAL GRANULOMATOSIS; GRANULOMATOSIS, FAMILIAL JUVENILE SYSTEMIC; GRANULOMATOSIS, FAMILIAL, BLAU TYPE; GRANULOMATOUS INFLAMMATORY ARTHRITIS, DERMATITIS, AND UVEITIS, FAMILIAL; JABS SYNDROME. Identifiers: Orphanet 90340, MedGen C5201146, MONDO:0008523, OMIM 186580.
Regional enteritis. Also called: Enteritis, Granulomatous. Identifiers: MedGen C0678202, MeSH D003424.

Allele frequency attached by ClinVar (database versions not stated): ExAC 0.00002; gnomAD exomes 0.00002; TOPMed 0.00002; gnomAD 0.00003.
gnomAD v4.1: 15 of 1,613,900 alleles (0.00093%); highest among the groups gnomAD compares: Middle Eastern, 0.016%; no homozygotes.

Submissions (2):

Labcorp Genetics (formerly Invitae), Labcorp
Classification: Likely benign for Regional enteritis; Blau syndrome. Last evaluated: 2025-10-10. Review status: criteria provided, single submitter. Criteria: Invitae Variant Classification Sherloc (09022015). Collection method: clinical testing. Allele origin: germline.

CeGaT Center for Human Genetics Tuebingen
Classification: Likely benign. Last evaluated: 2025-03-01. Review status: criteria provided, single submitter. Criteria: CeGaT Center For Human Genetics Tuebingen Variant Classification Criteria Version 2. Collection method: clinical testing. Allele origin: germline. Affected: yes. Observed: 1 variant allele.
Comment: NOD2: BP4, BP7